The following is an entry in ClinVar:

ClinVar aggregate classification (germline): Uncertain significance. Review status: criteria provided, multiple submitters, no conflicts (2 of 4 stars). 2 submissions from 2 submitters: Uncertain significance (2). Last evaluated 2025-12-19.

Conditions:
Inborn genetic diseases. Identifiers: MedGen C0950123, MeSH D030342.

gnomAD v4.1: 2 of 1,613,804 alleles (0.00012%); highest among the groups gnomAD compares: Non-Finnish European, 0.00017%; no homozygotes.

Submissions (2):

Labcorp Genetics (formerly Invitae), Labcorp
Classification: Uncertain significance. Last evaluated: 2025-12-19. Review status: criteria provided, single submitter. Criteria: Invitae Variant Classification Sherloc (09022015). Collection method: clinical testing. Allele origin: germline.
Comment: This sequence change replaces proline, which is neutral and non-polar, with threonine, which is neutral and polar, at codon 633 of the SAMD9 protein (p.Pro633Thr). This variant is present in population databases (no rsID available, gnomAD 0.0009%). This variant has not been reported in the literature in individuals affected with SAMD9-related conditions. ClinVar contains an entry for this variant (Variation ID: 4159045). Invitae Evidence Modeling of protein sequence and biophysical properties (such as structural, functional, and spatial information, amino acid conservation, physicochemical variation, residue mobility, and thermodynamic stability) has been performed for this missense variant. However, the output from this modeling did not meet the statistical confidence thresholds required to predict the impact of this variant on SAMD9 protein function. In summary, the available evidence is currently insufficient to determine the role of this variant in disease. Therefore, it has been classified as a Variant of Uncertain Significance.

Ambry Genetics
Classification: Uncertain significance for Inborn genetic diseases. Last evaluated: 2025-06-28. Review status: criteria provided, single submitter. Criteria: Ambry Variant Classification Scheme 2023. Collection method: clinical testing. Allele origin: germline.
Comment: The p.P633T variant (also known as c.1897C>A), located in coding exon 1 of the SAMD9 gene, results from a C to A substitution at nucleotide position 1897. The proline at codon 633 is replaced by threonine, an amino acid with highly similar properties. This amino acid position is conserved. In addition, the in silico prediction for this alteration is inconclusive. Based on the available evidence, the clinical significance of this variant remains unclear.

NM_017654.4(SAMD9):c.1897C>A (p.Pro633Thr)

Gene: SAMD9 (sterile alpha motif domain containing 9; minus strand). Cytogenetic location: 7q21.2.
Variant type: single nucleotide variant.
Coding change: c.1897C>A on transcript NM_017654.4 (MANE Select); coding-DNA position 1897, C replaced by A.
Protein change: p.Pro633Thr; replaces proline 633 with threonine.
Molecular consequence: missense variant.
Genome position (GRCh38, 1-based): chr7:93,104,201, G>T on the plus strand (C>A on the coding strand, the complement: SAMD9 is on the minus strand). VCF-style: chr7-93104201-G-T. GRCh37 (hg19) VCF-style: chr7-92733514-G-T.
Other names: c.1897C>A, p.Pro633Thr (NM_001193307.2); short protein forms P633T.
Identifiers: ClinVar variation 4159045 (VCV004159045.2).
Genomic context (GRCh38, chr7:93,104,201, plus strand): 5'-CCAGAGCAGTCATGATATCTTCTTCCTTTTTCAGAAGGACAGTCGATAAACCAATAGATG[G>T]CAAAAGCCTTTTTGAAGATTGAGTCACAGATTTTAGTTTAAGAATAGTGCCATTGATCTC-3'
Protein context (NP_060124.2, residues 623-643): SVTQSSKRLL[Pro633Thr]SIGLSTVLLK